The following is an entry in ClinVar:

NM_001378414.1(HDAC4):c.2172C>A (p.His724Gln)

Gene: HDAC4 (histone deacetylase 4; minus strand). Cytogenetic location: 2q37.3.
Variant type: single nucleotide variant.
Coding change: c.2172C>A on transcript NM_001378414.1 (MANE Select); coding-DNA position 2172, C replaced by A.
Protein change: p.His724Gln; replaces histidine 724 with glutamine.
Molecular consequence: missense variant.
Genome position (GRCh38, 1-based): chr2:239,102,837, G>T on the plus strand (C>A on the coding strand, the complement: HDAC4 is on the minus strand). VCF-style: chr2-239102837-G-T. GRCh37 (hg19) VCF-style: chr2-240024533-G-T.
Other names: c.2172C>A, p.His724Gln (NM_001378415.1); c.2157C>A, p.His719Gln (NM_001378416.1, NM_001378417.1, NM_006037.4); short protein forms H719Q, H724Q.
Identifiers: ClinVar variation 3283688 (VCV003283688.1).
Genomic context (GRCh38, chr2:239,102,837, plus strand): 5'-TAGAAGTTTCTTACTGTCCAGTTTCTGCCGGTTGAGGGGGTTCGTGCCATACAGGAGGGT[G>T]TGGGCTTCCGAGTGCACCGTCTGTAGCTCCTCCAGGGTGGCCTTGCGTCCGCGGATGCAC-3'
Protein context (NP_001365343.1, residues 714-734): EELQTVHSEA[His724Gln]TLLYGTNPLN

ClinVar aggregate classification (germline): Uncertain significance (1 of 4 stars; one submission).

Conditions:
Inborn genetic diseases. Identifiers: MedGen C0950123, MeSH D030342.

Submission:

Ambry Genetics
Classification: Uncertain significance for Inborn genetic diseases. Last evaluated: 2024-04-27. Review status: criteria provided, single submitter. Criteria: Ambry Variant Classification Scheme 2023. Collection method: clinical testing. Allele origin: germline.
Comment: The c.2157C>A (p.H719Q) alteration is located in exon 16 (coding exon 15) of the HDAC4 gene. This alteration results from a C to A substitution at nucleotide position 2157, causing the histidine (H) at amino acid position 719 to be replaced by a glutamine (Q). This variant was not reported in population-based cohorts in the Genome Aggregation Database (gnomAD). This amino acid position is highly conserved in available vertebrate species. This alteration is predicted to be deleterious by in silico analysis. Based on insufficient or conflicting evidence, the clinical significance of this alteration remains unclear.